The following is an entry in ClinVar:

NM_000245.4(MET):c.1172G>T (p.Gly391Val)

Gene: MET (MET proto-oncogene, receptor tyrosine kinase; plus strand). Cytogenetic location: 7q31.2.
Variant type: single nucleotide variant.
Coding change: c.1172G>T on transcript NM_000245.4 (MANE Select); coding-DNA position 1172, G replaced by T.
Protein change: p.Gly391Val; replaces glycine 391 with valine.
Molecular consequence: missense variant. On other transcripts: intron variant (1).
Genome position (GRCh38, 1-based): chr7:116,700,256, G>T. VCF-style: chr7-116700256-G-T. GRCh37 (hg19) VCF-style: chr7-116340310-G-T.
Other names: c.1172G>T, p.Gly391Val (NM_001127500.3, NM_001324401.3); c.-91+27679G>T (NM_001324402.2); short protein forms G391V.
Identifiers: ClinVar variation 642784 (VCV000642784.13), dbSNP rs1584878602, ClinGen allele CA368970704.

ClinVar aggregate classification (germline): Uncertain significance. Review status: criteria provided, multiple submitters, no conflicts (2 of 4 stars). 3 submissions from 3 submitters: Uncertain significance (3). Last evaluated 2025-06-24.

Conditions:
Renal cell carcinoma. Identifiers: Orphanet 217071, MedGen C0007134, MeSH D002292, MONDO:0005086, HP:0005584.
Hereditary cancer-predisposing syndrome. Also called: Neoplastic Syndromes, Hereditary; Tumor predisposition; Hereditary neoplastic syndrome; Hereditary Cancer Syndrome. Identifiers: Orphanet 140162, MedGen C0027672, MeSH D009386, MONDO:0015356.

Allele frequency attached by ClinVar (database versions not stated): gnomAD exomes below 0.00001.
gnomAD v4.1: 2 of 1,603,678 alleles (0.00012%); highest among the groups gnomAD compares: Non-Finnish European, 0.000085%; no homozygotes.

Submissions (3):

Ambry Genetics
Classification: Uncertain significance for Hereditary cancer-predisposing syndrome. Last evaluated: 2025-06-24. Review status: criteria provided, single submitter. Criteria: Ambry Variant Classification Scheme 2023. Collection method: clinical testing. Allele origin: germline.
Comment: The p.G391V variant (also known as c.1172G>T), located in coding exon 1 of the MET gene, results from a G to T substitution at nucleotide position 1172. The glycine at codon 391 is replaced by valine, an amino acid with dissimilar properties. This amino acid position is well conserved in available vertebrate species. In addition, the in silico prediction for this alteration is inconclusive. Since supporting evidence is limited at this time, the clinical significance of this alteration remains unclear.

Labcorp Genetics (formerly Invitae), Labcorp
Classification: Uncertain significance for Renal cell carcinoma. Last evaluated: 2023-05-11. Review status: criteria provided, single submitter. Criteria: Invitae Variant Classification Sherloc (09022015). Collection method: clinical testing. Allele origin: germline.
Comment: In summary, the available evidence is currently insufficient to determine the role of this variant in disease. Therefore, it has been classified as a Variant of Uncertain Significance. Advanced modeling of protein sequence and biophysical properties (such as structural, functional, and spatial information, amino acid conservation, physicochemical variation, residue mobility, and thermodynamic stability) performed at Invitae indicates that this missense variant is not expected to disrupt MET protein function. ClinVar contains an entry for this variant (Variation ID: 642784). This variant has not been reported in the literature in individuals affected with MET-related conditions. This variant is not present in population databases (gnomAD no frequency). This sequence change replaces glycine, which is neutral and non-polar, with valine, which is neutral and non-polar, at codon 391 of the MET protein (p.Gly391Val).

Sema4
Classification: Uncertain significance for Hereditary cancer-predisposing syndrome. Last evaluated: 2021-10-09. Review status: criteria provided, single submitter. Criteria: Sema4 Curation Guidelines. Collection method: curation. Allele origin: germline.
Comment: The MET c.1172G>T (p.G391V) variant has not been reported in the literature to our knowledge. This variant is not reported in the Genome Aggregation Database (PMID: 32461654). This variant has been reported in ClinVar (Variation ID: 642784). Functional studies have not been performed and in silico tools suggest the impact of the variant on protein function is inconclusive. The evidence is insufficient to meet ACMG/AMP criteria for classifying the variant as benign or pathogenic. Thus, the clinical significance of this variant is currently uncertain.